The following is an entry in ClinVar:

NM_000147.5(FUCA1):c.525-8T>G

Gene: FUCA1 (alpha-L-fucosidase 1; minus strand). Cytogenetic location: 1p36.11.
Variant type: single nucleotide variant.
Coding change: c.525-8T>G on transcript NM_000147.5 (MANE Select); 8 bases into the intron before coding-DNA position 525, T replaced by G.
Molecular consequence: intron variant.
Genome position (GRCh38, 1-based): chr1:23,863,279, A>C on the plus strand (T>G on the coding strand, the complement: FUCA1 is on the minus strand). VCF-style: chr1-23863279-A-C. GRCh37 (hg19) VCF-style: chr1-24189769-A-C.
Identifiers: ClinVar variation 772508 (VCV000772508.16), dbSNP rs41268125, ClinGen allele CA686510.

ClinVar aggregate classification (germline): Likely benign. Review status: criteria provided, multiple submitters, no conflicts (2 of 4 stars). 4 submissions from 4 submitters: Likely benign (3). 1 of the submissions does not count toward it. Last evaluated 2026-01-24.

Conditions:
Fucosidosis. Also called: ALPHA-L-FUCOSIDASE DEFICIENCY. Identifiers: Orphanet 349, MedGen C0016788, MONDO:0009254, OMIM 230000.
FUCA1-related disorder. Also called: FUCA1-related condition.

Allele frequency attached by ClinVar (database versions not stated): ExAC 0.00012; gnomAD exomes 0.00018 and 0.00030; TOPMed 0.00018; 1000 Genomes Project 0.00020; gnomAD 0.00020 and 0.00021; ESP Exome Variant Server 0.00023; 1000 Genomes Project 30x 0.00031.
gnomAD v4.1: 462 of 1,611,864 alleles (0.029%); highest among the groups gnomAD compares: Non-Finnish European, 0.038%; no homozygotes.

Submissions (5):

Labcorp Genetics (formerly Invitae), Labcorp
Classification: Likely benign for Fucosidosis. Last evaluated: 2026-01-24. Review status: criteria provided, single submitter. Criteria: Invitae Variant Classification Sherloc (09022015). Collection method: clinical testing. Allele origin: germline.

Laboratory of Genetics, Children's Clinical University Hospital Latvia
Classification: Likely benign. Last evaluated: 2025-02-16. Review status: criteria provided, single submitter. Criteria: ACMG Guidelines, 2015. Collection method: clinical testing. Allele origin: germline. Affected: yes.

Blueprint Genetics
Classification: Likely benign. Last evaluated: 2024-09-13. Review status: criteria provided, single submitter. Criteria: ACMG Guidelines, 2015. Collection method: clinical testing. Allele origin: germline.

PreventionGenetics, part of Exact Sciences
Classification: Likely benign for FUCA1-related condition. Last evaluated: 2019-10-15. Review status: no assertion criteria provided. Collection method: clinical testing. Allele origin: germline. Not counted in ClinVar's aggregate classification.
Comment: This variant is classified as likely benign based on ACMG/AMP sequence variant interpretation guidelines (Richards et al. 2015 PMID: 25741868, with internal and published modifications).

Dr. Peter K. Rogan Lab, Western University
No classification provided (evidence only). Condition: Acute myeloid leukemia. Review status: no classification provided. Collection method: in vitro. Allele origin: not applicable. Functional consequence: retained intron. Not counted in ClinVar's aggregate classification.